The following is an entry in ClinVar:

NM_006946.4(SPTBN2):c.5477A>T (p.Asp1826Val)

Gene: SPTBN2 (spectrin beta, non-erythrocytic 2; minus strand). Cytogenetic location: 11q13.2.
Variant type: single nucleotide variant.
Coding change: c.5477A>T on transcript NM_006946.4 (MANE Select); coding-DNA position 5477, A replaced by T.
Protein change: p.Asp1826Val; replaces aspartic acid 1826 with valine.
Molecular consequence: missense variant.
Genome position (GRCh38, 1-based): chr11:66,691,372, T>A on the plus strand (A>T on the coding strand, the complement: SPTBN2 is on the minus strand). VCF-style: chr11-66691372-T-A. GRCh37 (hg19) VCF-style: chr11-66458843-T-A.
Other names: c.5498A>T, p.Asp1833Val (NM_001411025.1); short protein forms D1826V, D1833V.
Identifiers: ClinVar variation 3893310 (VCV003893310.1).
Genomic context (GRCh38, chr11:66,691,372, plus strand): 5'-TCGTAGGCACAGTGTCGGCGCTGCAGGGCCTCGGCAGCGTTGAGGTCGCGGCCAGTCCCG[T>A]CCGGAAGCTGCTGCTGCTTGTGCTGCACCCGCGCCAGGGCTTGGCGTGCCCCGTGCAGGA-3'
Protein context (NP_008877.2, residues 1816-1836): RVQHKQQQLP[Asp1826Val]GTGRDLNAAE

ClinVar aggregate classification (germline): Uncertain significance (1 of 4 stars; one submission).

Submission:

GeneDx
Classification: Uncertain significance. Last evaluated: 2024-10-20. Review status: criteria provided, single submitter. Criteria: GeneDx Variant Classification Process June 2021. Collection method: clinical testing. Allele origin: germline. Affected: yes.
Comment: Not observed at significant frequency in large population cohorts (gnomAD); In silico analysis supports that this missense variant has a deleterious effect on protein structure/function; Has not been previously published as pathogenic or benign to our knowledge